The following is an entry in ClinVar:

NM_002485.5(NBN):c.1870C>A (p.Arg624Ser)

Genes: NBN (nibrin; minus strand), LOC126860438 (MED14-independent group 3 enhancer GRCh37_chr8:90959982-90961181; plus strand). Cytogenetic location: 8q21.3.
Variant type: single nucleotide variant.
Coding change: c.1870C>A on transcript NM_002485.5 (MANE Select); coding-DNA position 1870, C replaced by A.
Protein change: p.Arg624Ser; replaces arginine 624 with serine.
Molecular consequence: missense variant.
Genome position (GRCh38, 1-based): chr8:89,947,868, G>T on the plus strand (C>A on the coding strand, the complement: NBN is on the minus strand). VCF-style: chr8-89947868-G-T. GRCh37 (hg19) VCF-style: chr8-90960096-G-T.
Other names: c.1624C>A, p.Arg542Ser (NM_001024688.3); short protein forms R542S, R624S.
Identifiers: ClinVar variation 2854950 (VCV002854950.4), dbSNP rs962092255, ClinGen allele CA371677270.

ClinVar aggregate classification (germline): Uncertain significance. Review status: criteria provided, multiple submitters, no conflicts (2 of 4 stars). 2 submissions from 2 submitters: Uncertain significance (2). Last evaluated 2023-10-15.

Conditions:
Microcephaly, normal intelligence and immunodeficiency (NBS). Also called: IMMUNODEFICIENCY, MICROCEPHALY, AND CHROMOSOMAL INSTABILITY; SEEMANOVA SYNDROME II; BERLIN BREAKAGE SYNDROME; Nijmegen breakage syndrome; Microcephaly with normal intelligence immunodeficiency and lymphoreticular malignancies; Nonsyndromal microcephaly autosomal recessive with normal intelligence. Identifiers: Orphanet 647, MedGen C0398791, MONDO:0009623, OMIM 251260.
Hereditary cancer-predisposing syndrome. Also called: Hereditary Cancer Syndrome; Hereditary neoplastic syndrome; Neoplastic Syndromes, Hereditary; Tumor predisposition. Identifiers: Orphanet 140162, MedGen C0027672, MeSH D009386, MONDO:0015356.

Submissions (2):

Ambry Genetics
Classification: Uncertain significance for Hereditary cancer-predisposing syndrome. Last evaluated: 2023-10-15. Review status: criteria provided, single submitter. Criteria: Ambry Variant Classification Scheme 2023. Collection method: clinical testing. Allele origin: germline.
Comment: The p.R624S variant (also known as c.1870C>A), located in coding exon 12 of the NBN gene, results from a C to A substitution at nucleotide position 1870. The arginine at codon 624 is replaced by serine, an amino acid with dissimilar properties. This amino acid position is conserved. In addition, this alteration is predicted to be tolerated by in silico analysis. Since supporting evidence is limited at this time, the clinical significance of this alteration remains unclear.

Labcorp Genetics (formerly Invitae), Labcorp
Classification: Uncertain significance for Microcephaly, normal intelligence and immunodeficiency. Last evaluated: 2023-04-11. Review status: criteria provided, single submitter. Criteria: Invitae Variant Classification Sherloc (09022015). Collection method: clinical testing. Allele origin: germline.
Comment: In summary, the available evidence is currently insufficient to determine the role of this variant in disease. Therefore, it has been classified as a Variant of Uncertain Significance. An algorithm developed to predict the effect of missense changes on protein structure and function (PolyPhen-2) suggests that this variant is likely to be tolerated. This variant has not been reported in the literature in individuals affected with NBN-related conditions. This variant is not present in population databases (gnomAD no frequency). This sequence change replaces arginine, which is basic and polar, with serine, which is neutral and polar, at codon 624 of the NBN protein (p.Arg624Ser).